The following is an entry in ClinVar:

ClinVar aggregate classification (germline): Benign (1 of 4 stars; one submission).

Allele frequency attached by ClinVar (database versions not stated): TOPMed 0.26866; 1000 Genomes Project 30x 0.38695; 1000 Genomes Project 0.39577.
gnomAD v4.1: 249,265 of 887,354 alleles (28%); highest among the groups gnomAD compares: East Asian, 67%; 41,888 homozygotes.

Submission:

Unidad de Genómica Garrahan, Hospital de Pediatría Garrahan
Classification: Benign. Last evaluated: 2024-01-24. Review status: criteria provided, single submitter. Criteria: ACMG Guidelines, 2015. Collection method: clinical testing. Allele origin: germline. Affected: no. Observed: 70 variant alleles.
Comment: This variant is classified as Benign based on local population frequency. This variant was detected in 74% of patients studied by a panel of primary immunodeficiencies. Number of patients: 70. Only high quality variants are reported.

NM_006384.4(CIB1):c.554+127G>A

Gene: CIB1 (calcium and integrin binding 1; minus strand). Cytogenetic location: 15q26.1.
Variant type: single nucleotide variant.
Coding change: c.554+127G>A on transcript NM_006384.4 (MANE Select); 127 bases into the intron after coding-DNA position 554, G replaced by A.
Molecular consequence: intron variant.
Genome position (GRCh38, 1-based): chr15:90,230,807, C>T on the plus strand (G>A on the coding strand, the complement: CIB1 is on the minus strand). VCF-style: chr15-90230807-C-T. GRCh37 (hg19) VCF-style: chr15-90774039-C-T.
Other names: c.674+127G>A (NM_001277764.2).
Identifiers: ClinVar variation 2688000 (VCV002688000.2), dbSNP rs2073705, ClinGen allele CA14185509.